The following is an entry in ClinVar:

ClinVar aggregate classification (germline): Uncertain significance (1 of 4 stars; one submission).

Conditions:
Hereditary cancer-predisposing syndrome. Also called: Neoplastic Syndromes, Hereditary; Tumor predisposition; Hereditary Cancer Syndrome; Hereditary neoplastic syndrome. Identifiers: Orphanet 140162, MedGen C0027672, MeSH D009386, MONDO:0015356.

Submission:

Ambry Genetics
Classification: Uncertain significance for Hereditary cancer-predisposing syndrome. Last evaluated: 2014-01-27. Review status: criteria provided, single submitter. Criteria: Ambry Autosomal Dominant and X-Linked criteria (10/2015). Collection method: clinical testing. Allele origin: germline. Observed: 1 variant allele.
Comment: The p.C3265R variant (also known as c.9793T>C or 10021T>C), located in coding exon 26 of the BRCA2 gene, results from a T to C substitution at nucleotide position 9793. The cysteine at codon 3265 is replaced by arginine, an amino acid with highly dissimilar properties. This variant was not reported in population based cohorts in the following databases: Database of Single Nucleotide Polymorphisms (dbSNP), NHLBI Exome Sequencing Project (ESP), and 1000 Genomes Project. This amino acid position is well conserved in available vertebrate species. In addition, this alteration is predicted to be possibly damaging and deleterious by PolyPhen and SIFT in silico analyses, respectively. Since supporting evidence is limited at this time, the clinical significance of p.C3265R remains unclear.

NM_000059.4(BRCA2):c.9793T>C (p.Cys3265Arg)

Gene: BRCA2 (BRCA2 DNA repair associated; plus strand). Cytogenetic location: 13q13.1.
Variant type: single nucleotide variant.
Coding change: c.9793T>C on transcript NM_000059.4 (MANE Select); coding-DNA position 9793, T replaced by C.
Protein change: p.Cys3265Arg; replaces cysteine 3265 with arginine.
Molecular consequence: missense variant.
Genome position (GRCh38, 1-based): chr13:32,398,306, T>C. VCF-style: chr13-32398306-T-C. GRCh37 (hg19) VCF-style: chr13-32972443-T-C.
Other names: short protein forms C3265R.
Identifiers: ClinVar variation 141165 (VCV000141165.3), dbSNP rs587781543, ClinGen allele CA026297.